The following is an entry in ClinVar:

ClinVar aggregate classification (germline): Uncertain significance (1 of 4 stars; one submission).

Conditions:
Intellectual disability, autosomal recessive 53 (NEDHSCA). Also called: GLYCOSYLPHOSPHATIDYLINOSITOL BIOSYNTHESIS DEFECT 13; Mental retardation, autosomal recessive 53; NEURODEVELOPMENTAL DISORDER WITH OR WITHOUT HYPOTONIA, SEIZURES, AND CEREBELLAR ATROPHY. Identifiers: Orphanet 488635, MedGen C4310794, MONDO:0014832, OMIM 616917.

Submission:

Labcorp Genetics (formerly Invitae), Labcorp
Classification: Uncertain significance for Intellectual disability, autosomal recessive 53. Last evaluated: 2021-02-18. Review status: criteria provided, single submitter. Criteria: Invitae Variant Classification Sherloc (09022015). Collection method: clinical testing. Allele origin: germline.
Comment: In summary, the available evidence is currently insufficient to determine the role of this variant in disease. Therefore, it has been classified as a Variant of Uncertain Significance. Algorithms developed to predict the effect of missense changes on protein structure and function are either unavailable or do not agree on the potential impact of this missense change (SIFT: "Deleterious"; PolyPhen-2: "Probably Damaging"; Align-GVGD: "Class C0"). This variant has not been reported in the literature in individuals with PIGG-related conditions. This variant is not present in population databases (ExAC no frequency). This sequence change replaces leucine with proline at codon 886 of the PIGG protein (p.Leu886Pro). The leucine residue is moderately conserved and there is a moderate physicochemical difference between leucine and proline.

NM_001127178.3(PIGG):c.2657T>C (p.Leu886Pro)

Gene: PIGG (phosphatidylinositol glycan anchor biosynthesis class G (EMM blood group); plus strand). Cytogenetic location: 4p16.3.
Variant type: single nucleotide variant.
Coding change: c.2657T>C on transcript NM_001127178.3 (MANE Select); coding-DNA position 2657, T replaced by C.
Protein change: p.Leu886Pro; replaces leucine 886 with proline.
Molecular consequence: missense variant. On other transcripts: non-coding transcript variant (10).
Genome position (GRCh38, 1-based): chr4:533,903, T>C. VCF-style: chr4-533903-T-C. GRCh37 (hg19) VCF-style: chr4-527692-T-C.
Other names: c.2390T>C, p.Leu797Pro (NM_001289051.2, NM_001345986.2); c.2258T>C, p.Leu753Pro (NM_001289052.2); c.2366T>C, p.Leu789Pro (NM_001345987.2); c.1628T>C, p.Leu543Pro (NM_001345988.2); c.1124T>C, p.Leu375Pro (NM_001345990.2, NM_001345991.2); c.1559T>C, p.Leu520Pro (NM_001345994.2); c.2633T>C, p.Leu878Pro (NM_017733.5); short protein forms L543P, L753P, L789P, L520P, L878P, L375P, L797P, L886P.
Identifiers: ClinVar variation 1432029 (VCV001432029.8), dbSNP rs2109034166, ClinGen allele CA355911212.